The following is an entry in ClinVar:

NM_000255.4(MMUT):c.1595G>T (p.Arg532Leu)

Gene: MMUT (methylmalonyl-CoA mutase; minus strand). Cytogenetic location: 6p12.3.
Variant type: single nucleotide variant.
Coding change: c.1595G>T on transcript NM_000255.4 (MANE Select); coding-DNA position 1595, G replaced by T.
Protein change: p.Arg532Leu; replaces arginine 532 with leucine.
Molecular consequence: missense variant.
Genome position (GRCh38, 1-based): chr6:49,444,720, C>A on the plus strand (G>T on the coding strand, the complement: MMUT is on the minus strand). VCF-style: chr6-49444720-C-A. GRCh37 (hg19) VCF-style: chr6-49412433-C-A.
Other names: short protein forms R532L.
Identifiers: ClinVar variation 4881216 (VCV004881216.2).

ClinVar aggregate classification (germline): Uncertain significance (1 of 4 stars; one submission).

gnomAD v4.1: 1 of 1,613,046 alleles (0.000062%); highest among the groups gnomAD compares: Non-Finnish European, 0.000085%; no homozygotes.

Submission:

Dasa
Classification: Uncertain significance. Last evaluated: 2025-08-25. Review status: criteria provided, single submitter. Criteria: DASA Assertion Criteria. Collection method: clinical testing. Allele origin: germline.
Comment: NM_000255.4(MMUT):c.1595G>T (p.Arg532Leu) is a missense variant that results in the substitution of arginine with leucine. This variant is rare in population databases. The currently available literature and clinical evidence are not sufficient to establish a definitive association between this variant and the reported condition. Therefore, this variant is classified as a variant of uncertain significance.